The following is an entry in ClinVar:

NM_000138.5(FBN1):c.6052G>A (p.Val2018Ile)

Gene: FBN1 (fibrillin 1; minus strand). Cytogenetic location: 15q21.1.
Variant type: single nucleotide variant.
Coding change: c.6052G>A on transcript NM_000138.5 (MANE Select); coding-DNA position 6052, G replaced by A.
Protein change: p.Val2018Ile; replaces valine 2018 with isoleucine.
Molecular consequence: missense variant.
Genome position (GRCh38, 1-based): chr15:48,441,832, C>T on the plus strand (G>A on the coding strand, the complement: FBN1 is on the minus strand). VCF-style: chr15-48441832-C-T. GRCh37 (hg19) VCF-style: chr15-48734029-C-T.
Other names: p.V2018I:GTC>ATC; short protein forms V2018I.
Identifiers: ClinVar variation 200073 (VCV000200073.31), dbSNP rs363802, ClinGen allele CA016223.

ClinVar aggregate classification (germline): Conflicting classifications of pathogenicity. Review status: criteria provided, conflicting classifications (1 of 4 stars). 9 submissions from 9 submitters: Uncertain significance (1); Likely benign (7). 1 of the submissions does not count toward it. Last evaluated 2026-08-01.

Conditions:
Marfan syndrome (MFS). Also called: MARFAN SYNDROME, TYPE I; FBN1-Related Marfan Syndrome; Marfan syndrome type 1; Marfan's syndrome; Marfan syndrome, classic. Identifiers: Orphanet 284963, Orphanet 558, MedGen C0024796, MONDO:0007947, OMIM 154700.
Familial thoracic aortic aneurysm and aortic dissection (TAAD). Also called: Thoracic aortic aneurysms and dissections. Identifiers: Orphanet 91387, MedGen C4707243, MONDO:0019625.
FBN1-related disorder. Also called: FBN1-related disorders.

Allele frequency attached by ClinVar (database versions not stated): gnomAD 0.00004 and 0.00009; gnomAD exomes 0.00004 and 0.00019; TOPMed 0.00005; ExAC 0.00012.
gnomAD v4.1: 75 of 1,613,488 alleles (0.0046%); highest among the groups gnomAD compares: Admixed American, 0.12%; 1 homozygote.

Submissions (9):

CeGaT Center for Human Genetics Tuebingen
Classification: Likely benign. Last evaluated: 2026-08-01. Review status: criteria provided, single submitter. Criteria: CeGaT Center For Human Genetics Tuebingen Variant Classification Criteria Version 2. Collection method: clinical testing. Allele origin: germline. Affected: yes. Observed: 2 variant alleles.
Comment: FBN1: BS1

Labcorp Genetics (formerly Invitae), Labcorp
Classification: Likely benign for Marfan syndrome; Familial thoracic aortic aneurysm and aortic dissection. Last evaluated: 2025-12-16. Review status: criteria provided, single submitter. Criteria: Invitae Variant Classification Sherloc (09022015). Collection method: clinical testing. Allele origin: germline.

ARUP Laboratories, Molecular Genetics and Genomics, ARUP Laboratories
Classification: Likely benign. Last evaluated: 2025-01-03. Review status: criteria provided, single submitter. Criteria: ARUP Molecular Germline Variant Investigation Process 2024. Collection method: clinical testing. Allele origin: germline.

GeneDx
Classification: Likely benign. Last evaluated: 2021-10-29. Review status: criteria provided, single submitter. Criteria: GeneDx Variant Classification Process June 2021. Collection method: clinical testing. Allele origin: germline. Affected: yes.
Comment: This variant is associated with the following publications: (PMID: 27535533, 11875032, 12938084)

Women's Health and Genetics/Laboratory Corporation of America, LabCorp
Classification: Likely benign. Last evaluated: 2021-05-31. Review status: criteria provided, single submitter. Criteria: LabCorp Variant Classification Summary - May 2015. Collection method: clinical testing. Allele origin: germline.
Comment: Variant summary: FBN1 c.6052G>A (p.Val2018Ile) results in a conservative amino acid change located in the EGF-like domain (IPR000742) of the encoded protein sequence. Three of five in-silico tools predict a benign effect of the variant on protein function. The variant allele was found at a frequency of 0.00019 in 250566 control chromosomes, predominantly at a frequency of 0.0013 within the Latino subpopulation in the gnomAD database. The observed variant frequency within Latino control individuals in the gnomAD database is approximately 12 fold of the estimated maximal expected allele frequency for a pathogenic variant in FBN1 causing Marfan Syndrome phenotype (0.00011), strongly suggesting that the variant is a benign polymorphism found primarily in populations of Latino origin. To our knowledge, no occurrence of c.6052G>A in individuals affected with Marfan Syndrome and no experimental evidence demonstrating its impact on protein function have been reported. Five clinical diagnostic laboratories have submitted clinical-significance assessments for this variant to ClinVar after 2014 without evidence for independent evaluation. Multiple laboratories reported the variant with conflicting assessments (likely benign, n=2; VUS, n=3). Based on the evidence outlined above, the variant was classified as likely benign.

Ambry Genetics
Classification: Likely benign for Familial thoracic aortic aneurysm and aortic dissection. Last evaluated: 2020-07-07. Review status: criteria provided, single submitter. Criteria: Ambry Variant Classification Scheme 2023. Collection method: clinical testing. Allele origin: germline.

New York Genome Center
Classification: Uncertain significance for Marfan syndrome. Last evaluated: 2019-05-31. Review status: criteria provided, single submitter. Criteria: NYGC Assertion Criteria 2020. Collection method: clinical testing. Allele origin: germline. Observed: 1 heterozygote. Study: CSER-NYCKidSeq.

Color Diagnostics, LLC DBA Color Health
Classification: Likely benign for Familial thoracic aortic aneurysm and aortic dissection. Last evaluated: 2019-04-23. Review status: criteria provided, single submitter. Criteria: ACMG Guidelines, 2015. Collection method: clinical testing. Allele origin: germline.

PreventionGenetics, part of Exact Sciences
Classification: Likely benign for FBN1-related condition. Last evaluated: 2024-07-10. Review status: no assertion criteria provided. Collection method: clinical testing. Allele origin: germline. Not counted in ClinVar's aggregate classification.
Comment: This variant is classified as likely benign based on ACMG/AMP sequence variant interpretation guidelines (Richards et al. 2015 PMID: 25741868, with internal and published modifications).

Literature cited by the submitters: PubMed 11875032 (cited by Women's Health and Genetics/Laboratory Corporation of America, LabCorp and Ambry Genetics); PubMed 15743917 (cited by Ambry Genetics); PubMed 17024364 (cited by Ambry Genetics); PubMed 30019023 (cited by Ambry Genetics); PubMed 31227806 (cited by Ambry Genetics).